The following is an entry in ClinVar:

ClinVar aggregate classification (germline): Pathogenic (1 of 4 stars; one submission).

Conditions:
Argininosuccinate lyase deficiency. Also called: ARGININOSUCCINIC ACID LYASE DEFICIENCY; ASL DEFICIENCY; Argininosuccinic aciduria. Identifiers: Orphanet 23, MedGen C0268547, MONDO:0008815, OMIM 207900, HP:0025630.

Submission:

Labcorp Genetics (formerly Invitae), Labcorp
Classification: Pathogenic for Argininosuccinate lyase deficiency. Last evaluated: 2024-02-26. Review status: criteria provided, single submitter. Criteria: Invitae Variant Classification Sherloc (09022015). Collection method: clinical testing. Allele origin: germline.
Comment: This sequence change creates a premature translational stop signal (p.Lys323Argfs*11) in the ASL gene. It is expected to result in an absent or disrupted protein product. Loss-of-function variants in ASL are known to be pathogenic (PMID: 2263616, 24166829). This variant is not present in population databases (gnomAD no frequency). This variant has not been reported in the literature in individuals affected with ASL-related conditions. For these reasons, this variant has been classified as Pathogenic.

Literature cited by the submitters: PubMed 2263616; PubMed 24166829.

NM_000048.4(ASL):c.968_969del (p.Lys323fs)

Gene: ASL (argininosuccinate lyase; plus strand). Cytogenetic location: 7q11.21.
Variant type: Deletion.
Coding change: c.968_969del on transcript NM_000048.4 (MANE Select); coding-DNA positions 968 to 969, 2 bases deleted (AA; older notation c.968_969delAA).
Protein change: p.Lys323fs; shifts the reading frame from lysine 323.
Molecular consequence: frameshift variant. On other transcripts: intron variant (1).
Genome position (GRCh38, 1-based): chr7:66,089,325-66,089,326, AA deleted; deleting any 2 consecutive bases within chr7:66,089,324-66,089,326 gives the same sequence; the c. name uses the placement nearest the transcript's 3' end. VCF-style (leftmost placement, unchanged base first): chr7-66089323-CAA-C. GRCh37 (hg19) VCF-style: chr7-65554310-CAA-C.
Other names: c.968_969del, p.Lys323fs (NM_001024943.2); c.890_891del, p.Lys297fs (NM_001024946.2); c.918+150_918+151del (NM_001024944.2); short protein forms K297fs, K323fs.
Identifiers: ClinVar variation 3643310 (VCV003643310.2).